The following is an entry in ClinVar:

ClinVar aggregate classification (germline): Uncertain significance (1 of 4 stars; one submission).

Conditions:
Menkes kinky-hair syndrome (MNK). Also called: Menkes Disease; Copper transport disease; Classic Menkes Disease. Identifiers: Orphanet 565, MedGen C0022716, MONDO:0010651, OMIM 309400.
Cutis laxa, X-linked (OHS). Also called: EDS IX; Occipital horn syndrome. Identifiers: Orphanet 198, MedGen C0268353, MONDO:0010572, OMIM 304150.
X-linked distal spinal muscular atrophy type 3. Also called: ATP7A-Related Distal Motor Neuropathy; SPINAL MUSCULAR ATROPHY, DISTAL, X-LINKED RECESSIVE; NEURONOPATHY, DISTAL HEREDITARY MOTOR, X-LINKED; NEUROPATHY, DISTAL HEREDITARY MOTOR, X-LINKED. Identifiers: Orphanet 139557, MedGen C1845359, MONDO:0010338, OMIM 300489.

Submission:

Labcorp Genetics (formerly Invitae), Labcorp
Classification: Uncertain significance for X-linked distal spinal muscular atrophy type 3; Cutis laxa, X-linked; Menkes kinky-hair syndrome. Last evaluated: 2025-02-26. Review status: criteria provided, single submitter. Criteria: Invitae Variant Classification Sherloc (09022015). Collection method: clinical testing. Allele origin: germline.
Comment: This sequence change replaces tryptophan, which is neutral and slightly polar, with glycine, which is neutral and non-polar, at codon 729 of the ATP7A protein (p.Trp729Gly). This variant is not present in population databases (gnomAD no frequency). This variant has not been reported in the literature in individuals affected with ATP7A-related conditions. Invitae Evidence Modeling of protein sequence and biophysical properties (such as structural, functional, and spatial information, amino acid conservation, physicochemical variation, residue mobility, and thermodynamic stability) indicates that this missense variant is not expected to disrupt ATP7A protein function with a negative predictive value of 95%. In summary, the available evidence is currently insufficient to determine the role of this variant in disease. Therefore, it has been classified as a Variant of Uncertain Significance.

NM_000052.7(ATP7A):c.2185T>G (p.Trp729Gly)

Gene: ATP7A (ATPase copper transporting alpha; plus strand). Cytogenetic location: Xq21.1.
Variant type: single nucleotide variant.
Coding change: c.2185T>G on transcript NM_000052.7 (MANE Select); coding-DNA position 2185, T replaced by G.
Protein change: p.Trp729Gly; replaces tryptophan 729 with glycine.
Molecular consequence: missense variant. On other transcripts: intron variant (1).
Genome position (GRCh38, 1-based): chrX:78,012,891, T>G. VCF-style: chrX-78012891-T-G. GRCh37 (hg19) VCF-style: chrX-77268388-T-G.
Other names: c.2172+1217T>G (NM_001282224.2); short protein forms W729G.
Identifiers: ClinVar variation 4789444 (VCV004789444.1).